The following is an entry in ClinVar:

ClinVar aggregate classification (germline): Uncertain significance (1 of 4 stars; one submission).

Conditions:
Hereditary spastic paraplegia 73. Also called: Spastic paraplegia 73, autosomal dominant. Identifiers: Orphanet 444099, MedGen C5568981, MONDO:0014568, OMIM 616282.

Allele frequency attached by ClinVar (database versions not stated): ExAC 0.00012; ESP Exome Variant Server 0.00015; TOPMed 0.00017; gnomAD 0.00019; gnomAD exomes 0.00032 and 0.00010.
gnomAD v4.1: 514 of 1,613,984 alleles (0.032%); highest among the groups gnomAD compares: Non-Finnish European, 0.04%; no homozygotes.

Submission:

Labcorp Genetics (formerly Invitae), Labcorp
Classification: Uncertain significance for Hereditary spastic paraplegia 73. Last evaluated: 2025-07-30. Review status: criteria provided, single submitter. Criteria: Invitae Variant Classification Sherloc (09022015). Collection method: clinical testing. Allele origin: germline.
Comment: This sequence change replaces alanine, which is neutral and non-polar, with threonine, which is neutral and polar, at codon 559 of the CPT1C protein (p.Ala559Thr). This variant is present in population databases (rs149943122, gnomAD 0.02%). This variant has not been reported in the literature in individuals affected with CPT1C-related conditions. ClinVar contains an entry for this variant (Variation ID: 968238). Invitae Evidence Modeling of protein sequence and biophysical properties (such as structural, functional, and spatial information, amino acid conservation, physicochemical variation, residue mobility, and thermodynamic stability) indicates that this missense variant is not expected to disrupt CPT1C protein function with a negative predictive value of 80%. In summary, the available evidence is currently insufficient to determine the role of this variant in disease. Therefore, it has been classified as a Variant of Uncertain Significance.

NM_001199753.2(CPT1C):c.1708G>A (p.Ala570Thr)

Gene: CPT1C (carnitine palmitoyltransferase 1C; plus strand). Cytogenetic location: 19q13.33.
Variant type: single nucleotide variant.
Coding change: c.1708G>A on transcript NM_001199753.2 (MANE Select); coding-DNA position 1708, G replaced by A.
Protein change: p.Ala570Thr; replaces alanine 570 with threonine.
Molecular consequence: missense variant. On other transcripts: non-coding transcript variant (1).
Genome position (GRCh38, 1-based): chr19:49,710,461, G>A. VCF-style: chr19-49710461-G-A. GRCh37 (hg19) VCF-style: chr19-50213718-G-A.
Other names: c.1675G>A, p.Ala559Thr (NM_001136052.3, NM_001378485.1, NM_001378487.1); c.1708G>A, p.Ala570Thr (NM_001199752.3, NM_001378483.1, NM_001378484.1 and 3 more transcripts); c.1774G>A, p.Ala592Thr (NM_001378482.1); short protein forms A570T, A559T, A592T.
Identifiers: ClinVar variation 968238 (VCV000968238.9), dbSNP rs149943122, ClinGen allele CA9582266.